The following is an entry in ClinVar:

NC_000018.10:g.(?_62045836)_(62464074_?)del

Genes: PIGN (phosphatidylinositol glycan anchor biosynthesis class N; minus strand), RELCH (RAB11 binding and LisH domain, coiled-coil and HEAT repeat containing; plus strand), TNFRSF11A (TNF receptor superfamily member 11a; plus strand). Cytogenetic location: 18q21.33.
Variant type: Deletion.
Identifiers: ClinVar variation 833006 (VCV000833006.1).

ClinVar aggregate classification (germline): Pathogenic (1 of 4 stars; one submission).

Conditions:
Multiple congenital anomalies-hypotonia-seizures syndrome 1 (MCAHS1). Also called: PIGN-CDG; Congenital disorder of glycosylation due to PIGN deficiency; GLYCOSYLPHOSPHATIDYLINOSITOL BIOSYNTHESIS DEFECT 3. Identifiers: Orphanet 280633, MedGen C3279775, MONDO:0013563, OMIM 614080.

Submission:

Labcorp Genetics (formerly Invitae), Labcorp
Classification: Pathogenic for Multiple congenital anomalies-hypotonia-seizures syndrome 1. Last evaluated: 2019-06-05. Review status: criteria provided, single submitter. Criteria: Invitae Variant Classification Sherloc (09022015). Collection method: clinical testing. Allele origin: germline.
Comment: A gross deletion of the genomic region encompassing the full coding sequence of the PIGN gene has been identified. The boundaries of this event are unknown as the deletion extends beyond the assayed region for this gene and therefore may encompass additional genes. This variant has not been reported in the literature in individuals with PIGN-related conditions. Loss-of-function variants in PIGN are known to be pathogenic (PMID: 24253414, 27038415). For these reasons, this variant has been classified as Pathogenic.